The following is an entry in ClinVar:

ClinVar aggregate classification (germline): Conflicting classifications of pathogenicity. Review status: criteria provided, conflicting classifications (1 of 4 stars). 6 submissions from 6 submitters: Uncertain significance (5); Likely benign (1). Last evaluated 2026-06-05.

Conditions:
MYH6-related disorder. Also called: MYH6-Related Disorders; MYH6-related condition.
Hypertrophic cardiomyopathy 1 (CMH1). Also called: Familial hypertrophic cardiomyopathy 1; MYH7-Related Familial Hypertrophic Cardiomyopathy. Identifiers: MedGen C3495498, MONDO:0008647, OMIM 192600.
Dilated cardiomyopathy 1EE (CMD1EE). Identifiers: Orphanet 154, MedGen C2750466, MONDO:0013198, OMIM 613252.
Hypertrophic cardiomyopathy 14. Identifiers: MedGen C2750467, MONDO:0013197, OMIM 613251.
Sick sinus syndrome 3, susceptibility to (SSS3). Identifiers: Orphanet 166282, MedGen C3279791, MONDO:0013568, OMIM 614090.
Atrial septal defect 3 (ASD3). Identifiers: Orphanet 1478, MedGen C3279790, MONDO:0013567, OMIM 614089.
Cardiovascular phenotype. Identifiers: MedGen CN230736.

Allele frequency attached by ClinVar (database versions not stated): gnomAD 0.00002; gnomAD exomes 0.00002 and 0.00005; ExAC 0.00007.
gnomAD v4.1: 29 of 1,614,138 alleles (0.0018%); highest among the groups gnomAD compares: East Asian, 0.0022%; no homozygotes.

Submissions (6):

PreventionGenetics, part of Exact Sciences
Classification: Uncertain significance for MYH6-related condition. Last evaluated: 2026-06-05. Review status: criteria provided, single submitter. Criteria: ACMG Guidelines, 2015. Collection method: clinical testing. Allele origin: germline.
Comment: The MYH6 c.409G>A variant is predicted to result in the amino acid substitution p.Glu137Lys. This variant has been reported in a cohort of individuals with hypertrophic cardiomyopathy (Table S1, Lopes et al. 2014. PubMed ID: 25351510). This variant is reported in 0.016% of alleles in individuals of East Asian descent in gnomAD. At this time, the clinical significance of this variant is uncertain due to the absence of conclusive functional and genetic evidence.

Women's Health and Genetics/Laboratory Corporation of America, LabCorp
Classification: Likely benign. Last evaluated: 2026-02-07. Review status: criteria provided, single submitter. Criteria: LabCorp Variant Classification Summary - May 2015. Collection method: clinical testing. Allele origin: germline.

Labcorp Genetics (formerly Invitae), Labcorp
Classification: Uncertain significance for Hypertrophic cardiomyopathy 14. Last evaluated: 2024-09-06. Review status: criteria provided, single submitter. Criteria: Invitae Variant Classification Sherloc (09022015). Collection method: clinical testing. Allele origin: germline.
Comment: This sequence change replaces glutamic acid, which is acidic and polar, with lysine, which is basic and polar, at codon 137 of the MYH6 protein (p.Glu137Lys). This variant is present in population databases (rs752658033, gnomAD 0.02%). This variant has not been reported in the literature in individuals affected with MYH6-related conditions. ClinVar contains an entry for this variant (Variation ID: 1432256). Invitae Evidence Modeling of protein sequence and biophysical properties (such as structural, functional, and spatial information, amino acid conservation, physicochemical variation, residue mobility, and thermodynamic stability) indicates that this missense variant is not expected to disrupt MYH6 protein function with a negative predictive value of 80%. In summary, the available evidence is currently insufficient to determine the role of this variant in disease. Therefore, it has been classified as a Variant of Uncertain Significance.

Ambry Genetics
Classification: Uncertain significance for Cardiovascular phenotype. Last evaluated: 2024-04-11. Review status: criteria provided, single submitter. Criteria: Ambry Variant Classification Scheme 2023. Collection method: clinical testing. Allele origin: germline.
Comment: The p.E137K variant (also known as c.409G>A), located in coding exon 3 of the MYH6 gene, results from a G to A substitution at nucleotide position 409. The glutamic acid at codon 137 is replaced by lysine, an amino acid with similar properties. This alteration has been reported in a hypertrophic cardiomyopathy (HCM) cohort; however, clinical details were limited (Lopes LR et al. Heart, 2015 Feb;101:294-301). This amino acid position is well conserved in available vertebrate species. In addition, the in silico prediction for this alteration is inconclusive. Since supporting evidence is limited at this time, the clinical significance of this alteration remains unclear.

GeneDx
Classification: Uncertain significance. Last evaluated: 2023-02-09. Review status: criteria provided, single submitter. Criteria: GeneDx Variant Classification Process June 2021. Collection method: clinical testing. Allele origin: germline. Affected: yes.
Comment: Identified in at least one patient with HCM in published literature (Lopes et al., 2015); In silico analysis supports that this missense variant does not alter protein structure/function; This variant is associated with the following publications: (PMID: 25351510)

Fulgent Genetics
Classification: Uncertain significance for Hypertrophic cardiomyopathy 1; Hypertrophic cardiomyopathy 14; Dilated cardiomyopathy 1EE; Atrial septal defect 3; Sick sinus syndrome 3, susceptibility to. Last evaluated: 2021-08-12. Review status: criteria provided, single submitter. Criteria: ACMG Guidelines, 2015. Collection method: clinical testing. Allele origin: unknown.

Literature cited by the submitters: PubMed 25351510 (cited by Ambry Genetics).

NM_002471.4(MYH6):c.409G>A (p.Glu137Lys)

Genes: MYH6 (myosin heavy chain 6; minus strand), LOC114827851 (VISTA enhancer hs2155; plus strand). Cytogenetic location: 14q11.2.
Variant type: single nucleotide variant.
Coding change: c.409G>A on transcript NM_002471.4 (MANE Select); coding-DNA position 409, G replaced by A.
Protein change: p.Glu137Lys; replaces glutamic acid 137 with lysine.
Molecular consequence: missense variant.
Genome position (GRCh38, 1-based): chr14:23,405,316, C>T on the plus strand (G>A on the coding strand, the complement: MYH6 is on the minus strand). VCF-style: chr14-23405316-C-T. GRCh37 (hg19) VCF-style: chr14-23874525-C-T.
Other names: short protein forms E137K.
Identifiers: ClinVar variation 1432256 (VCV001432256.14), dbSNP rs752658033, ClinGen allele CA7116174.